The following is an entry in ClinVar:

NM_013432.5(TONSL):c.3124G>A (p.Gly1042Ser)

Gene: TONSL (tonsoku like, DNA repair protein; minus strand). Cytogenetic location: 8q24.3.
Variant type: single nucleotide variant.
Coding change: c.3124G>A on transcript NM_013432.5 (MANE Select); coding-DNA position 3124, G replaced by A.
Protein change: p.Gly1042Ser; replaces glycine 1042 with serine.
Molecular consequence: missense variant.
Genome position (GRCh38, 1-based): chr8:144,434,241, C>T on the plus strand (G>A on the coding strand, the complement: TONSL is on the minus strand). VCF-style: chr8-144434241-C-T. GRCh37 (hg19) VCF-style: chr8-145659624-C-T.
Other names: short protein forms G1042S.
Identifiers: ClinVar variation 1974376 (VCV001974376.5), dbSNP rs2537481712, ClinGen allele CA372647102.

ClinVar aggregate classification (germline): Uncertain significance (1 of 4 stars; one submission).

gnomAD v4.1: 3 of 1,531,376 alleles (0.0002%); highest among the groups gnomAD compares: Non-Finnish European, 0.00026%; no homozygotes.

Submission:

Labcorp Genetics (formerly Invitae), Labcorp
Classification: Uncertain significance. Last evaluated: 2022-07-07. Review status: criteria provided, single submitter. Criteria: Invitae Variant Classification Sherloc (09022015). Collection method: clinical testing. Allele origin: germline.
Comment: In summary, the available evidence is currently insufficient to determine the role of this variant in disease. Therefore, it has been classified as a Variant of Uncertain Significance. Algorithms developed to predict the effect of missense changes on protein structure and function output the following: SIFT: "Tolerated"; PolyPhen-2: "Benign"; Align-GVGD: "Class C0". The serine amino acid residue is found in multiple mammalian species, which suggests that this missense change does not adversely affect protein function. This variant has not been reported in the literature in individuals affected with TONSL-related conditions. This variant is not present in population databases (gnomAD no frequency). This sequence change replaces glycine, which is neutral and non-polar, with serine, which is neutral and polar, at codon 1042 of the TONSL protein (p.Gly1042Ser).